The following is an entry in ClinVar:

NM_145868.2(ANXA11):c.527C>G (p.Ser176Cys)

Gene: ANXA11 (annexin A11; minus strand). Cytogenetic location: 10q22.3.
Variant type: single nucleotide variant.
Coding change: c.527C>G on transcript NM_145868.2 (MANE Select); coding-DNA position 527, C replaced by G.
Protein change: p.Ser176Cys; replaces serine 176 with cysteine.
Molecular consequence: missense variant.
Genome position (GRCh38, 1-based): chr10:80,169,003, G>C on the plus strand (C>G on the coding strand, the complement: ANXA11 is on the minus strand). VCF-style: chr10-80169003-G-C. GRCh37 (hg19) VCF-style: chr10-81928759-G-C.
Other names: c.527C>G, p.Ser176Cys (NM_001157.3, NM_001278407.2, NM_001278408.2 and 1 more transcripts); c.428C>G, p.Ser143Cys (NM_001278409.2); short protein forms S143C, S176C.
Identifiers: ClinVar variation 2636081 (VCV002636081.2), dbSNP rs751254253, ClinGen allele CA5576259.

ClinVar aggregate classification (germline): Uncertain significance. Review status: criteria provided, multiple submitters, no conflicts (2 of 4 stars). 2 submissions from 2 submitters: Uncertain significance (2). Last evaluated 2025-07-23.

Conditions:
ANXA11-related disorder. Also called: ANXA11-related condition.

Allele frequency attached by ClinVar (database versions not stated): TOPMed 0.00002; gnomAD 0.00003; gnomAD exomes 0.00004; ExAC 0.00005.
gnomAD v4.1: 55 of 1,543,720 alleles (0.0036%); highest among the groups gnomAD compares: South Asian, 0.04%; no homozygotes.

Submissions (2):

Labcorp Genetics (formerly Invitae), Labcorp
Classification: Uncertain significance. Last evaluated: 2025-07-23. Review status: criteria provided, single submitter. Criteria: Invitae Variant Classification Sherloc (09022015). Collection method: clinical testing. Allele origin: germline.
Comment: This sequence change replaces serine, which is neutral and polar, with cysteine, which is neutral and slightly polar, at codon 176 of the ANXA11 protein (p.Ser176Cys). This variant is present in population databases (rs751254253, gnomAD 0.03%). This variant has not been reported in the literature in individuals affected with ANXA11-related conditions. ClinVar contains an entry for this variant (Variation ID: 2636081). An algorithm developed to predict the effect of missense changes on protein structure and function (PolyPhen-2) suggests that this variant is likely to be disruptive. In summary, the available evidence is currently insufficient to determine the role of this variant in disease. Therefore, it has been classified as a Variant of Uncertain Significance.

PreventionGenetics, part of Exact Sciences
Classification: Uncertain significance for ANXA11-related condition. Last evaluated: 2022-09-08. Review status: criteria provided, single submitter. Criteria: ACMG Guidelines, 2015. Collection method: clinical testing. Allele origin: germline.
Comment: The ANXA11 c.527C>G variant is predicted to result in the amino acid substitution p.Ser176Cys. To our knowledge, this variant has not been reported in the literature. This variant is reported in 0.035% of alleles in individuals of South Asian descent in gnomAD. At this time, the clinical significance of this variant is uncertain due to the absence of conclusive functional and genetic evidence.